The following is an entry in ClinVar:

NM_000255.4(MMUT):c.1138G>A (p.Gly380Arg)

Gene: MMUT (methylmalonyl-CoA mutase; minus strand). Cytogenetic location: 6p12.3.
Variant type: single nucleotide variant.
Coding change: c.1138G>A on transcript NM_000255.4 (MANE Select); coding-DNA position 1138, G replaced by A.
Protein change: p.Gly380Arg; replaces glycine 380 with arginine.
Molecular consequence: missense variant.
Genome position (GRCh38, 1-based): chr6:49,451,660, C>T on the plus strand (G>A on the coding strand, the complement: MMUT is on the minus strand). VCF-style: chr6-49451660-C-T. GRCh37 (hg19) VCF-style: chr6-49419373-C-T.
Other names: short protein forms G380R.
Identifiers: ClinVar variation 3764179 (VCV003764179.1).

ClinVar aggregate classification (germline): Uncertain significance (1 of 4 stars; one submission).

Submission:

GeneDx
Classification: Uncertain significance. Last evaluated: 2024-08-13. Review status: criteria provided, single submitter. Criteria: GeneDx Variant Classification Process June 2021. Collection method: clinical testing. Allele origin: germline. Affected: yes.
Comment: In silico analysis supports that this missense variant has a deleterious effect on protein structure/function; Not observed at significant frequency in large population cohorts (gnomAD); This variant is associated with the following publications: (PMID: 34668645, 38128819, 31622506, 33413471)